The following is an entry in ClinVar:

NM_021098.3(CACNA1H):c.2229G>A (p.Thr743=)

Gene: CACNA1H (calcium voltage-gated channel subunit alpha1 H; plus strand). Cytogenetic location: 16p13.3.
Variant type: single nucleotide variant.
Coding change: c.2229G>A on transcript NM_021098.3 (MANE Select); coding-DNA position 2229, G replaced by A.
Protein change: p.Thr743=; no amino-acid change (threonine 743 retained).
Molecular consequence: synonymous variant.
Genome position (GRCh38, 1-based): chr16:1,204,236, G>A. VCF-style: chr16-1204236-G-A. GRCh37 (hg19) VCF-style: chr16-1254236-G-A.
Other names: c.2229G>A, p.Thr743= (NM_001005407.2).
Identifiers: ClinVar variation 529639 (VCV000529639.36), dbSNP rs111986908, ClinGen allele CA7800162.

ClinVar aggregate classification (germline): Benign/Likely benign. Review status: criteria provided, multiple submitters, no conflicts (2 of 4 stars). 3 submissions from 3 submitters: Benign (2); Likely benign (1). Last evaluated 2025-10-20.

Conditions:
Hyperaldosteronism, familial, type IV (HALD4). Also called: FH IV; ALDOSTERONISM, PRIMARY, AND HYPERTENSION. Identifiers: Orphanet 642671, MedGen C4310756, MONDO:0014875, OMIM 617027.
Idiopathic generalized epilepsy. Also called: Generalised epilepsy; EIG. Identifiers: MedGen C0270850, MONDO:0005579, OMIM 600669.

Allele frequency attached by ClinVar (database versions not stated): 1000 Genomes Project 0.00020; 1000 Genomes Project 30x 0.00031; gnomAD exomes 0.00053 and 0.00089; ESP Exome Variant Server 0.00055; gnomAD 0.00058 and 0.00059; ExAC 0.00068; TOPMed 0.00068.
gnomAD v4.1: 1,372 of 1,611,106 alleles (0.085%); highest among the groups gnomAD compares: Non-Finnish European, 0.11%; no homozygotes.

Submissions (3):

Labcorp Genetics (formerly Invitae), Labcorp
Classification: Benign for Idiopathic generalized epilepsy; Hyperaldosteronism, familial, type IV. Last evaluated: 2025-10-20. Review status: criteria provided, single submitter. Criteria: Invitae Variant Classification Sherloc (09022015). Collection method: clinical testing. Allele origin: germline.

Blueprint Genetics
Classification: Likely benign. Last evaluated: 2024-11-18. Review status: criteria provided, single submitter. Criteria: ACMG Guidelines, 2015. Collection method: clinical testing. Allele origin: germline.

CeGaT Center for Human Genetics Tuebingen
Classification: Benign. Last evaluated: 2022-07-01. Review status: criteria provided, single submitter. Criteria: CeGaT Center For Human Genetics Tuebingen Variant Classification Criteria Version 2. Collection method: clinical testing. Allele origin: germline. Affected: yes. Observed: 1 variant allele.
Comment: CACNA1H: BS1, BS2